The following is an entry in ClinVar:

NM_001291088.2(WDR87):c.1049G>A (p.Arg350His)

Gene: WDR87 (WD repeat domain 87; minus strand). Cytogenetic location: 19q13.13.
Variant type: single nucleotide variant.
Coding change: c.1049G>A on transcript NM_001291088.2 (MANE Select); coding-DNA position 1049, G replaced by A.
Protein change: p.Arg350His; replaces arginine 350 with histidine.
Molecular consequence: missense variant.
Genome position (GRCh38, 1-based): chr19:37,894,654, C>T on the plus strand (G>A on the coding strand, the complement: WDR87 is on the minus strand). VCF-style: chr19-37894654-C-T. GRCh37 (hg19) VCF-style: chr19-38385294-C-T.
Other names: c.932G>A (NM_031951.3); c.932G>A, p.Arg311His (NM_031951.5); short protein forms R350H, R311H.
Identifiers: ClinVar variation 1377407 (VCV001377407.7), dbSNP rs986112780, ClinGen allele CA308027415.

ClinVar aggregate classification (germline): Uncertain significance. Review status: criteria provided, multiple submitters, no conflicts (2 of 4 stars). 2 submissions from 2 submitters: Uncertain significance (2). Last evaluated 2023-12-21.

Allele frequency attached by ClinVar (database versions not stated): gnomAD 0.00001; TOPMed 0.00003; gnomAD exomes 0.00004 and 0.00005.
gnomAD v4.1: 54 of 1,551,516 alleles (0.0035%); highest among the groups gnomAD compares: Admixed American, 0.0059%; no homozygotes.

Submissions (2):

Ambry Genetics
Classification: Uncertain significance. Last evaluated: 2023-12-21. Review status: criteria provided, single submitter. Criteria: Ambry Variant Classification Scheme 2023. Collection method: clinical testing. Allele origin: germline.

Labcorp Genetics (formerly Invitae), Labcorp
Classification: Uncertain significance. Last evaluated: 2021-09-09. Review status: criteria provided, single submitter. Criteria: Invitae Variant Classification Sherloc (09022015). Collection method: clinical testing. Allele origin: germline.
Comment: This sequence change replaces arginine with histidine at codon 311 of the WDR87 protein (p.Arg311His). The arginine residue is moderately conserved and there is a small physicochemical difference between arginine and histidine. This variant is not present in population databases (ExAC no frequency). This variant has not been reported in the literature in individuals affected with WDR87-related conditions. Algorithms developed to predict the effect of missense changes on protein structure and function output the following: SIFT: "Tolerated"; PolyPhen-2: "Benign"; Align-GVGD: "Class C0". The histidine amino acid residue is found in multiple mammalian species, which suggests that this missense change does not adversely affect protein function. In summary, the available evidence is currently insufficient to determine the role of this variant in disease. Therefore, it has been classified as a Variant of Uncertain Significance.